The following is an entry in ClinVar:

ClinVar aggregate classification (germline): Likely benign (0 of 4 stars; one submission).

Conditions:
SPG11-related disorder. Also called: SPG11-related condition.

Submission:

PreventionGenetics, part of Exact Sciences
Classification: Likely benign for SPG11-related condition. Last evaluated: 2024-06-08. Review status: no assertion criteria provided. Collection method: clinical testing. Allele origin: germline.
Comment: This variant is classified as likely benign based on ACMG/AMP sequence variant interpretation guidelines (Richards et al. 2015 PMID: 25741868, with internal and published modifications).

NM_025137.4(SPG11):c.1603-10C>G

Gene: SPG11 (SPG11 vesicle trafficking associated, spatacsin; minus strand). Cytogenetic location: 15q21.1.
Variant type: single nucleotide variant.
Coding change: c.1603-10C>G on transcript NM_025137.4 (MANE Select); 10 bases into the intron before coding-DNA position 1603, C replaced by G.
Molecular consequence: intron variant.
Genome position (GRCh38, 1-based): chr15:44,633,647, G>C on the plus strand (C>G on the coding strand, the complement: SPG11 is on the minus strand). VCF-style: chr15-44633647-G-C. GRCh37 (hg19) VCF-style: chr15-44925845-G-C.
Other names: c.1603-10C>G (NM_001411132.1, NM_001160227.2).
Identifiers: ClinVar variation 3349394 (VCV003349394.1).